The following is an entry in ClinVar:

ClinVar aggregate classification (germline): Pathogenic (1 of 4 stars; one submission).

Conditions:
Hereditary cancer-predisposing syndrome. Also called: Neoplastic Syndromes, Hereditary; Tumor predisposition; Hereditary Cancer Syndrome; Hereditary neoplastic syndrome. Identifiers: Orphanet 140162, MedGen C0027672, MeSH D009386, MONDO:0015356.

Submission:

Ambry Genetics
Classification: Pathogenic for Hereditary cancer-predisposing syndrome. Last evaluated: 2021-10-05. Review status: criteria provided, single submitter. Criteria: Ambry Variant Classification Scheme 2023. Collection method: clinical testing. Allele origin: germline.
Comment: The c.7279_7283delAACTT pathogenic mutation, located in coding exon 13 of the BRCA2 gene, results from a deletion of 5 nucleotides at nucleotide positions 7279 to 7283, causing a translational frameshift with a predicted alternate stop codon (p.N2427Gfs*10). This variant is considered to be rare based on population cohorts in the Genome Aggregation Database (gnomAD). This alteration is expected to result in loss of function by premature protein truncation or nonsense-mediated mRNA decay. As such, this alteration is interpreted as a disease-causing mutation.

NM_000059.4(BRCA2):c.7279_7283del (p.Asn2427fs)

Gene: BRCA2 (BRCA2 DNA repair associated; plus strand). Cytogenetic location: 13q13.1.
Variant type: Deletion.
Coding change: c.7279_7283del on transcript NM_000059.4 (MANE Select); coding-DNA positions 7279 to 7283, 5 bases deleted (AACTT; older notation c.7279_7283delAACTT).
Protein change: p.Asn2427fs; shifts the reading frame from asparagine 2427.
Molecular consequence: frameshift variant.
Genome position (GRCh38, 1-based): chr13:32,355,132-32,355,136, AACTT deleted; deleting any 5 consecutive bases within chr13:32,355,130-32,355,136 gives the same sequence; the c. name uses the placement nearest the transcript's 3' end. VCF-style (leftmost placement, unchanged base first): chr13-32355129-ATTAAC-A. GRCh37 (hg19) VCF-style: chr13-32929266-ATTAAC-A.
Other names: c.7279_7283delAACTT (NM_000059.3); short protein forms N2427fs.
Identifiers: ClinVar variation 483107 (VCV000483107.5), dbSNP rs1555286065, ClinGen allele CA658656417.